The following is an entry in ClinVar:

ClinVar aggregate classification (germline): Benign. Review status: criteria provided, multiple submitters, no conflicts (2 of 4 stars). 4 submissions from 4 submitters: Benign (2). 2 of the submissions do not count toward it. Last evaluated 2026-02-01.

Conditions:
ACACA-related disorder. Also called: ACACA-related condition.

Allele frequency attached by ClinVar (database versions not stated): gnomAD exomes 0.00547 and 0.01224; ExAC 0.01370; gnomAD 0.03419 and 0.03612; ESP Exome Variant Server 0.03791; TOPMed 0.03942; 1000 Genomes Project 0.04413; 1000 Genomes Project 30x 0.04747.
gnomAD v4.1: 13,724 of 1,614,092 alleles (0.85%); highest among the groups gnomAD compares: African/African-American, 10%; 491 homozygotes.

Submissions (4):

Labcorp Genetics (formerly Invitae), Labcorp
Classification: Benign. Last evaluated: 2026-02-01. Review status: criteria provided, single submitter. Criteria: Invitae Variant Classification Sherloc (09022015). Collection method: clinical testing. Allele origin: germline.

Breakthrough Genomics
Classification: Benign. Review status: criteria provided, single submitter. Criteria: ACMG Guidelines, 2015. Collection method: not provided. Allele origin: germline. Inheritance: Autosomal recessive inheritance. Affected: yes.

PreventionGenetics, part of Exact Sciences
Classification: Benign for ACACA-related condition. Last evaluated: 2019-06-27. Review status: no assertion criteria provided. Collection method: clinical testing. Allele origin: germline. Not counted in ClinVar's aggregate classification.
Comment: This variant is classified as benign based on ACMG/AMP sequence variant interpretation guidelines (Richards et al. 2015 PMID: 25741868, with internal and published modifications).

Mayo Clinic Laboratories, Mayo Clinic
Classification: Benign. Last evaluated: 2017-09-15. Review status: no assertion criteria provided. Collection method: clinical testing. Allele origin: unknown. Not counted in ClinVar's aggregate classification.

NM_198834.3(ACACA):c.6444A>C (p.Arg2148=)

Gene: ACACA (acetyl-CoA carboxylase alpha; minus strand). Cytogenetic location: 17q12.
Variant type: single nucleotide variant.
Coding change: c.6444A>C on transcript NM_198834.3 (MANE Select); coding-DNA position 6444, A replaced by C.
Protein change: p.Arg2148=; no amino-acid change (arginine 2148 retained).
Molecular consequence: synonymous variant.
Genome position (GRCh38, 1-based): chr17:37,113,096, T>G on the plus strand (A>C on the coding strand, the complement: ACACA is on the minus strand). VCF-style: chr17-37113096-T-G. GRCh37 (hg19) VCF-style: chr17-35470031-T-G.
Other names: c.6333A>C, p.Arg2111= (NM_198836.3, NM_198839.3); c.6159A>C, p.Arg2053= (NM_198837.2); c.6099A>C, p.Arg2033= (NM_198838.2); c.6444A>C (NM_198834.2).
Identifiers: ClinVar variation 559340 (VCV000559340.15), dbSNP rs55811414, ClinGen allele CA8514643.
Genomic context (GRCh38, chr17:37,113,096, plus strand): 5'-ACAGCTACAGGGTCCCTAAAGGCAGTGAATGGAAATGTGGAAGGCACGCTACCTGCTTTC[T>G]CGGTCAGCATACATCTCCATGTGCCGGGGGTTGATGGAGGAGTCAATCACCACCCAGGAG-3'
Protein context (NP_942131.1, residues 2138-2158): NPRHMEMYAD[Arg2148=]ESRGSVLEPE